The following is an entry in ClinVar:

ClinVar aggregate classification (germline): Uncertain significance (1 of 4 stars; one submission).

Conditions:
Spastic paraplegia. Identifiers: MedGen C0037772, HP:0001258.

Submission:

Labcorp Genetics (formerly Invitae), Labcorp
Classification: Uncertain significance for Spastic paraplegia. Last evaluated: 2025-03-31. Review status: criteria provided, single submitter. Criteria: Invitae Variant Classification Sherloc (09022015). Collection method: clinical testing. Allele origin: germline.
Comment: This sequence change replaces asparagine, which is neutral and polar, with lysine, which is basic and polar, at codon 339 of the ERLIN2 protein (p.Asn339Lys). This variant is not present in population databases (gnomAD no frequency). This variant has not been reported in the literature in individuals affected with ERLIN2-related conditions. ClinVar contains an entry for this variant (Variation ID: 2007733). An algorithm developed to predict the effect of missense changes on protein structure and function (PolyPhen-2) suggests that this variant is likely to be tolerated. In summary, the available evidence is currently insufficient to determine the role of this variant in disease. Therefore, it has been classified as a Variant of Uncertain Significance.

NM_007175.8(ERLIN2):c.1017T>G (p.Asn339Lys)

Gene: ERLIN2 (ER lipid raft associated 2; plus strand). Cytogenetic location: 8p11.23.
Variant type: single nucleotide variant.
Coding change: c.1017T>G on transcript NM_007175.8 (MANE Select); coding-DNA position 1017, T replaced by G.
Protein change: p.Asn339Lys; replaces asparagine 339 with lysine.
Molecular consequence: missense variant.
Genome position (GRCh38, 1-based): chr8:37,754,112, T>G. VCF-style: chr8-37754112-T-G. GRCh37 (hg19) VCF-style: chr8-37611630-T-G.
Other names: c.1017T>G, p.Asn339Lys (NM_001362878.2); short protein forms N339K.
Identifiers: ClinVar variation 2007733 (VCV002007733.4), dbSNP rs776398153, ClinGen allele CA370663398.